The following is an entry in ClinVar:

NC_000015.9:g.(?_35082593)_(35087029_?)dup

Genes: ACTC1 (actin alpha cardiac muscle 1; minus strand), GJD2-DT (GJD2 divergent transcript; plus strand). Cytogenetic location: 15q14.
Variant type: Duplication.
Identifiers: ClinVar variation 538814 (VCV000538814.1).

ClinVar aggregate classification (germline): Uncertain significance (1 of 4 stars; one submission).

Conditions:
Atrial septal defect 5 (ASD5). Identifiers: Orphanet 1478, MedGen C2748552, MONDO:0013011, OMIM 612794.
Dilated cardiomyopathy 1R (CMD1R). Identifiers: Orphanet 154, Orphanet 54260, MedGen C3150681, MONDO:0013261, OMIM 613424.
Hypertrophic cardiomyopathy 11. Also called: ACTC1-Related Familial Hypertrophic Cardiomyopathy. Identifiers: MedGen C2677506, MONDO:0012799, OMIM 612098.

Submission:

Labcorp Genetics (formerly Invitae), Labcorp
Classification: Uncertain significance for Dilated cardiomyopathy 1R; Familial hypertrophic cardiomyopathy 11; Atrial septal defect 5. Last evaluated: 2018-03-01. Review status: criteria provided, single submitter. Criteria: Invitae Variant Classification Sherloc (09022015). Collection method: clinical testing. Allele origin: germline.
Comment: A gross duplication of the genomic region encompassing the full coding sequence of the ACTC1 gene has been identified. The boundaries of this event are unknown as the duplication extends beyond the assayed region for this gene and therefore may encompass additional genes. As the precise location of this duplication is unknown, it may be in tandem or it may be located elsewhere in the genome. This variant has not been reported in the literature in individuals with ACTC1-related disease. In summary, the available evidence is currently insufficient to determine the role of this variant in disease. Therefore, it has been classified as a Variant of Uncertain Significance.